The following is an entry in ClinVar:

ClinVar aggregate classification (germline): Uncertain significance (1 of 4 stars; one submission).

gnomAD v4.1: 5 of 1,614,200 alleles (0.00031%); highest among the groups gnomAD compares: Non-Finnish European, 0.00042%; no homozygotes.

Submission:

Labcorp Genetics (formerly Invitae), Labcorp
Classification: Uncertain significance. Last evaluated: 2022-01-16. Review status: criteria provided, single submitter. Criteria: Invitae Variant Classification Sherloc (09022015). Collection method: clinical testing. Allele origin: germline.
Comment: Algorithms developed to predict the effect of missense changes on protein structure and function are either unavailable or do not agree on the potential impact of this missense change (SIFT: "Not Available"; PolyPhen-2: "Possibly Damaging"; Align-GVGD: "Not Available"). In summary, the available evidence is currently insufficient to determine the role of this variant in disease. Therefore, it has been classified as a Variant of Uncertain Significance. This variant has not been reported in the literature in individuals affected with ADAMTS18-related conditions. This sequence change replaces phenylalanine, which is neutral and non-polar, with leucine, which is neutral and non-polar, at codon 812 of the ADAMTS18 protein (p.Phe812Leu). This variant is not present in population databases (gnomAD no frequency).

NM_199355.4(ADAMTS18):c.2436C>G (p.Phe812Leu)

Gene: ADAMTS18 (ADAM metallopeptidase with thrombospondin type 1 motif 18; minus strand). Cytogenetic location: 16q23.1.
Variant type: single nucleotide variant.
Coding change: c.2436C>G on transcript NM_199355.4 (MANE Select); coding-DNA position 2436, C replaced by G.
Protein change: p.Phe812Leu; replaces phenylalanine 812 with leucine.
Molecular consequence: missense variant.
Genome position (GRCh38, 1-based): chr16:77,319,945, G>C on the plus strand (C>G on the coding strand, the complement: ADAMTS18 is on the minus strand). VCF-style: chr16-77319945-G-C. GRCh37 (hg19) VCF-style: chr16-77353842-G-C.
Other names: c.1920C>G, p.Phe640Leu (NM_001326358.2); short protein forms F812L, F640L.
Identifiers: ClinVar variation 2085520 (VCV002085520.4), dbSNP rs2543644682, ClinGen allele CA396827521.